The following is an entry in ClinVar:

ClinVar aggregate classification (germline): Conflicting classifications of pathogenicity. Review status: criteria provided, conflicting classifications (1 of 4 stars). 11 submissions from 11 submitters: Likely pathogenic (1); Uncertain significance (8). 2 of the submissions do not count toward it. Last evaluated 2025-12-03.

Conditions:
Hemorrhage. Identifiers: MedGen C0019080, MeSH D006470.
VWF-related disorder. Also called: VWF-related disorders; VWF-related condition.
von Willebrand disease type 1 (VWD1). Also called: VON WILLEBRAND DISEASE, TYPE I; VWD, TYPE 1. Identifiers: Orphanet 166078, Orphanet 903, MedGen C1264039, MONDO:0008668, OMIM 193400. Inheritance: autosomal recessive or autosomal dominant.
von Willebrand disease type 3 (VWD3). Also called: Type 3 Von Willebrand's disease; Type 3 VWD; Von Willebrand disease, severe form; V WD3; VON WILLEBRAND DISEASE, TYPE III. Identifiers: Orphanet 166096, MedGen C1264041, MONDO:0010191, OMIM 277480.
von Willebrand disease type 2 (VWD2). Also called: VON WILLEBRAND DISEASE, TYPE 2A/IIE; VON WILLEBRAND DISEASE, TYPE 2CB; VON WILLEBRAND DISEASE, TYPE II; VWD, TYPE 2. Identifiers: Orphanet 166081, Orphanet 903, MedGen C1264040, MONDO:0013304, OMIM 613554.
Hereditary von Willebrand disease. Identifiers: Orphanet 903, MedGen C5703318, MONDO:0019565. Inheritance: Autosomal recessive or Autosomal dominant.

Allele frequency attached by ClinVar (database versions not stated): 1000 Genomes Project 30x 0.00016; TOPMed 0.00084; ExAC 0.00090; gnomAD 0.00093 and 0.00098; ESP Exome Variant Server 0.00100; gnomAD exomes 0.00102 and 0.00145.
gnomAD v4.1: 2,075 of 1,482,824 alleles (0.14%); highest among the groups gnomAD compares: Non-Finnish European, 0.17%; 1 homozygote.

Submissions (11):

PreventionGenetics, part of Exact Sciences
Classification: Uncertain significance for VWF-related condition. Last evaluated: 2025-12-03. Review status: criteria provided, single submitter. Criteria: ACMG Guidelines, 2015. Collection method: clinical testing. Allele origin: germline.
Comment: The VWF c.1922C>T variant is predicted to result in the amino acid substitution p.Ala641Val. This variant was reported in a patient with Von Willebrand disease type 1 with normal VWF multimer analysis and incomplete co-segregation with disease in the family (Table 5, Goodeve et al. 2007. PubMed ID: 16985174). It is also reported in additional patients with VWD type 1 (Castaman et al. 2008. PubMed ID: 18230755; Haberichter et al. 2008. PubMed ID: 18344424; Bastida et al. 2017. PubMed ID: 27734074) and in a patient with a reported coagulation disorder (Downes et al. 2019. PubMed ID: 31064749). This variant is reported in 0.24% of alleles in individuals of European (Non-Finnish) descent in gnomAD. At this time, the clinical significance of this variant is uncertain due to the absence of conclusive functional and genetic evidence.

GeneDx
Classification: Uncertain significance. Last evaluated: 2025-04-23. Review status: criteria provided, single submitter. Criteria: GeneDx Variant Classification Process June 2021. Collection method: clinical testing. Allele origin: germline. Affected: yes.
Comment: Reported as heterozygous in a patient with coagulation disease from the published literature; however this patient also harbored a variant in the F11 gene (PMID: 31064749); Reported in the heterozygous state in an individual with type 1 von Willebrand disease; however, this individual had normal multimers, and incomplete cosegregation of the A641V variant with von Willebrand disease in the family was reported (PMID: 16985174, 18230755); In silico analysis indicates that this missense variant does not alter protein structure/function; This variant is associated with the following publications: (PMID: 27734074, 22995991, 19506353, 18344424, 18230755, 33556167, 16985174, 31064749)

Center for Genomic Medicine, Rigshospitalet, Copenhagen University Hospital
Classification: Uncertain significance. Last evaluated: 2025-03-04. Review status: criteria provided, single submitter. Criteria: ACMG Guidelines, 2015. Collection method: clinical testing. Allele origin: germline.

Mayo Clinic Laboratories, Mayo Clinic
Classification: Uncertain significance. Last evaluated: 2024-06-11. Review status: criteria provided, single submitter. Criteria: ACMG Guidelines, 2015. Collection method: clinical testing. Allele origin: germline. Observed: 1 variant allele.

Women's Health and Genetics/Laboratory Corporation of America, LabCorp
Classification: Uncertain significance. Last evaluated: 2024-05-09. Review status: criteria provided, single submitter. Criteria: LabCorp Variant Classification Summary - May 2015. Collection method: clinical testing. Allele origin: germline.
Comment: Variant summary: VWF c.1922C>T (p.Ala641Val) results in a non-conservative amino acid change located in the VWF/SSPO/Zonadhesin-like, cysteine-rich domain (IPR014853) of the encoded protein sequence. Three of five in-silico tools predict a benign effect of the variant on protein function. The variant allele was found at a frequency of 0.001 in 84122 control chromosomes. c.1922C>T has been reported in the literature in individuals affected with Von Willebrand Disease (example, Downes_2019, Goodeve_2007, Sadler_2021). These report(s) do not provide unequivocal conclusions about association of the variant with Von Willebrand Disease. To our knowledge, no experimental evidence demonstrating an impact on protein function has been reported. The following publications have been ascertained in the context of this evaluation (PMID: 31064749, 16985174, 33556167). ClinVar contains an entry for this variant (Variation ID: 100196). Based on the evidence outlined above, the variant was classified as uncertain significance.

Quest Diagnostics Nichols Institute San Juan Capistrano
Classification: Uncertain significance. Last evaluated: 2023-12-11. Review status: criteria provided, single submitter. Criteria: Quest Diagnostics criteria. Collection method: clinical testing. Allele origin: unknown.
Comment: The VWF c.1922C>T (p.Ala641Val) variant has been reported in the published literature in individuals with Type 1 von Willebrand disease (vWD) (PMIDs: 18344424 (2008), 18230755 (2008), 16985174 (2007)). The frequency of this variant in the general population, 0.0024 (117/48744 chromosomes (Genome Aggregation Database)), is uninformative in the assessment of its pathogenicity. Analysis of this variant using bioinformatics tools for the prediction of the effect of amino acid changes on protein structure and function yielded predictions that this variant is damaging. Based on the available information, we are unable to determine the clinical significance of this variant.

Department of Pathology and Laboratory Medicine, Sinai Health System
Classification: Uncertain significance for von Willebrand disease type 1; von Willebrand disease type 3; von Willebrand disease type 2. Last evaluated: 2020-08-28. Review status: criteria provided, single submitter. Criteria: ACMG Guidelines, 2015. Collection method: research. Allele origin: germline.

NIHR Bioresource Rare Diseases, University of Cambridge
Classification: Likely pathogenic for von Willebrand disorder. Last evaluated: 2019-02-01. Review status: criteria provided, single submitter. Criteria: ACMG Guidelines, 2015. Collection method: research. Allele origin: unknown. Affected: yes. Observed: 1 heterozygote. Study: ThromboGenomics.

ISTH-SSC Genomics in Thrombosis and Hemostasis, KU Leuven, Center for Molecular and Vascular Biology
Classification: Uncertain significance for Hemorrhage. Review status: criteria provided, single submitter. Criteria: ACMG Guidelines, 2015. Collection method: clinical testing. Allele origin: germline. Affected: yes. Observed: 1 heterozygote.
Comment: Submitted to the GoldVariant database by Kathleen Freson, Center for Molecular and Vascular Biology

Division of Human Genetics, Children's Hospital of Philadelphia
Classification: Uncertain significance for von Willebrand disease type 3; von Willebrand disease type 1; von Willebrand disease type 2. Last evaluated: 2016-02-09. Review status: no assertion criteria provided. Collection method: research. Allele origin: paternal. Affected: yes. Study: CSER-PediSeq. Not counted in ClinVar's aggregate classification.

Academic Unit of Haematology, University of Sheffield
No classification provided. Review status: no classification provided. Collection method: not provided. Allele origin: not provided. Not counted in ClinVar's aggregate classification.

Literature cited by the submitters: PubMed 18344424 (cited by Center for Genomic Medicine, Rigshospitalet, Copenhagen University Hospital and Quest Diagnostics Nichols Institute San Juan Capistrano); PubMed 16985174 (cited by 5 submitters); PubMed 18510569 (cited by Mayo Clinic Laboratories, Mayo Clinic); PubMed 27734074 (cited by Mayo Clinic Laboratories, Mayo Clinic); PubMed 31064749 (cited by 4 submitters); PubMed 33556167 (cited by 3 submitters); PubMed 22995991 (cited by Quest Diagnostics Nichols Institute San Juan Capistrano and Division of Human Genetics, Children's Hospital of Philadelphia); PubMed 19506353 (cited by Quest Diagnostics Nichols Institute San Juan Capistrano); PubMed 18230755 (cited by Quest Diagnostics Nichols Institute San Juan Capistrano).

NM_000552.5(VWF):c.1922C>T (p.Ala641Val)

Gene: VWF (von Willebrand factor; minus strand). Cytogenetic location: 12p13.31.
Variant type: single nucleotide variant.
Coding change: c.1922C>T on transcript NM_000552.5 (MANE Select); coding-DNA position 1922, C replaced by T.
Protein change: p.Ala641Val; replaces alanine 641 with valine.
Molecular consequence: missense variant.
Genome position (GRCh38, 1-based): chr12:6,056,880, G>A on the plus strand (C>T on the coding strand, the complement: VWF is on the minus strand). VCF-style: chr12-6056880-G-A. GRCh37 (hg19) VCF-style: chr12-6166046-G-A.
Other names: c.1922C>T (NM_000552.4); short protein forms A641V.
Identifiers: ClinVar variation 100196 (VCV000100196.32), dbSNP rs61754019, ClinGen allele CA228298.
Genomic context (GRCh38, chr12:6,056,880, plus strand): 5'-GGCGGCCCGGAGGGCTGCGGGCAGGGAGGGCACGCACCACAGCGGCCTGGCTCGCGCCAC[G>A]CGACGCGCACGCCTCTCCCCGCGCAGGCCGCGGCATAGCTGGCCAGGGCGCCGCACAGGC-3'
Protein context (NP_000543.3, residues 631-651): AACAGRGVRV[Ala641Val]WREPGRCELN